The following is an entry in ClinVar:

NM_012186.3(FOXE3):c.352A>C (p.Ser118Arg)

Genes: FOXE3 (forkhead box E3; plus strand), LINC01389 (long independently transcribed non-coding RNA 1389; minus strand). Cytogenetic location: 1p33.
Variant type: single nucleotide variant.
Coding change: c.352A>C on transcript NM_012186.3 (MANE Select); coding-DNA position 352, A replaced by C.
Protein change: p.Ser118Arg; replaces serine 118 with arginine.
Molecular consequence: missense variant.
Genome position (GRCh38, 1-based): chr1:47,416,667, A>C. VCF-style: chr1-47416667-A-C. GRCh37 (hg19) VCF-style: chr1-47882339-A-C.
Other names: short protein forms S118R.
Identifiers: ClinVar variation 4783417 (VCV004783417.1).
Genomic context (GRCh38, chr1:47,416,667, plus strand): 5'-TACCGCTTCATCACCGAACGCTTTGCCTTCTACCGCGACAGCCCGCGCAAGTGGCAGAAC[A>C]GCATCCGCCACAATCTCACGCTCAACGACTGCTTCGTCAAGGTGCCCCGCGAGCCGGGCA-3'
Protein context (NP_036318.1, residues 108-128): YRDSPRKWQN[Ser118Arg]IRHNLTLNDC

ClinVar aggregate classification (germline): Uncertain significance (1 of 4 stars; one submission).

Conditions:
Anterior segment dysgenesis. Also called: Ocular anterior segment dysgenesis. Identifiers: Orphanet 88632, MedGen C1862839, MONDO:0019503, HP:0007700.
Congenital primary aphakia. Also called: Anterior segment dysgenesis 2, multiple subtypes; ANTERIOR SEGMENT DYSGENESIS 2. Identifiers: Orphanet 83461, MedGen C1853230, MONDO:0012456, OMIM 610256.

Submission:

Labcorp Genetics (formerly Invitae), Labcorp
Classification: Uncertain significance for Anterior segment dysgenesis; Congenital primary aphakia. Last evaluated: 2025-11-02. Review status: criteria provided, single submitter. Criteria: Invitae Variant Classification Sherloc (09022015). Collection method: clinical testing. Allele origin: germline.
Comment: This sequence change replaces serine, which is neutral and polar, with arginine, which is basic and polar, at codon 118 of the FOXE3 protein (p.Ser118Arg). This variant is not present in population databases (gnomAD no frequency). This variant has not been reported in the literature in individuals affected with FOXE3-related conditions. Invitae Evidence Modeling of protein sequence and biophysical properties (such as structural, functional, and spatial information, amino acid conservation, physicochemical variation, residue mobility, and thermodynamic stability) indicates that this missense variant is expected to disrupt FOXE3 protein function with a positive predictive value of 95%. In summary, the available evidence is currently insufficient to determine the role of this variant in disease. Therefore, it has been classified as a Variant of Uncertain Significance.